The following is an entry in ClinVar:

NM_015335.5(MED13L):c.1286A>G (p.Lys429Arg)

Gene: MED13L (mediator complex subunit 13L; minus strand). Cytogenetic location: 12q24.21.
Variant type: single nucleotide variant.
Coding change: c.1286A>G on transcript NM_015335.5 (MANE Select); coding-DNA position 1286, A replaced by G.
Protein change: p.Lys429Arg; replaces lysine 429 with arginine.
Molecular consequence: missense variant.
Genome position (GRCh38, 1-based): chr12:116,009,127, T>C on the plus strand (A>G on the coding strand, the complement: MED13L is on the minus strand). VCF-style: chr12-116009127-T-C. GRCh37 (hg19) VCF-style: chr12-116446932-T-C.
Other names: short protein forms K429R.
Identifiers: ClinVar variation 2643370 (VCV002643370.24), dbSNP rs2499914095, ClinGen allele CA386897196.

ClinVar aggregate classification (germline): Uncertain significance (1 of 4 stars; one submission).

Submission:

CeGaT Center for Human Genetics Tuebingen
Classification: Uncertain significance. Last evaluated: 2022-09-01. Review status: criteria provided, single submitter. Criteria: CeGaT Center For Human Genetics Tuebingen Variant Classification Criteria Version 2. Collection method: clinical testing. Allele origin: germline. Affected: yes. Observed: 1 variant allele.
Comment: MED13L: PM2, PP2, BP4